The following is an entry in ClinVar:

ClinVar aggregate classification (germline): Pathogenic (1 of 4 stars; one submission).

Conditions:
Inosine triphosphatase deficiency. Also called: INOSINE TRIPHOSPHATE PYROPHOSPHOHYDROLASE DEFICIENCY. Identifiers: MedGen C0342800, MONDO:0013461, OMIM 613850.

Submission:

Labcorp Genetics (formerly Invitae), Labcorp
Classification: Pathogenic for Inosine triphosphatase deficiency. Last evaluated: 2022-11-29. Review status: criteria provided, single submitter. Criteria: Invitae Variant Classification Sherloc (09022015). Collection method: clinical testing. Allele origin: germline.
Comment: This sequence change creates a premature translational stop signal (p.Gly85Alafs*4) in the ITPA gene. It is expected to result in an absent or disrupted protein product. Loss-of-function variants in ITPA are known to be pathogenic (PMID: 26224535). This variant is present in population databases (rs760003902, gnomAD 0.008%). This variant has not been reported in the literature in individuals affected with ITPA-related conditions. For these reasons, this variant has been classified as Pathogenic.

Literature cited by the submitters: PubMed 26224535.

NM_033453.4(ITPA):c.252del (p.Gly85fs)

Gene: ITPA (inosine triphosphatase; plus strand). Cytogenetic location: 20p13.
Variant type: Deletion.
Coding change: c.252del on transcript NM_033453.4 (MANE Select); coding-DNA position 252, one base deleted (C; older notation c.252delC).
Protein change: p.Gly85fs; shifts the reading frame from glycine 85.
Molecular consequence: frameshift variant. On other transcripts: 5 prime UTR variant (4), non-coding transcript variant (2).
Genome position (GRCh38, 1-based): chr20:3,214,047, C deleted; the last of 4 consecutive C bases (chr20:3,214,044-3,214,047); deleting any one gives the same sequence. VCF-style (leftmost placement, unchanged base first): chr20-3214043-TC-T. GRCh37 (hg19) VCF-style: chr20-3194689-TC-T.
Other names: c.129del, p.Gly44fs (NM_001267623.2); c.-86del (NM_001324236.2, NM_001324237.2, NM_001324238.2 and 1 more transcripts); c.252del, p.Gly85fs (NM_001324240.2, NM_001424408.1); c.378del, p.Gly127fs (NM_001424409.1); c.201del, p.Gly68fs (NM_181493.4); short protein forms G44fs, G68fs, G127fs, G85fs.
Identifiers: ClinVar variation 3017430 (VCV003017430.3), dbSNP rs760003902, ClinGen allele CA9741218.